The following is an entry in ClinVar:

ClinVar aggregate classification (germline): Uncertain significance (1 of 4 stars; one submission).

Conditions:
Amyotrophic lateral sclerosis type 15. Also called: AMYOTROPHIC LATERAL SCLEROSIS 15 WITH FRONTOTEMPORAL DEMENTIA. Identifiers: Orphanet 803, MedGen C3275459, MONDO:0010459, OMIM 300857.

Submission:

Labcorp Genetics (formerly Invitae), Labcorp
Classification: Uncertain significance for Amyotrophic lateral sclerosis type 15. Last evaluated: 2025-10-08. Review status: criteria provided, single submitter. Criteria: Invitae Variant Classification Sherloc (09022015). Collection method: clinical testing. Allele origin: germline.
Comment: This sequence change replaces serine, which is neutral and polar, with asparagine, which is neutral and polar, at codon 362 of the UBQLN2 protein (p.Ser362Asn). This variant is not present in population databases (gnomAD no frequency). This variant has not been reported in the literature in individuals affected with UBQLN2-related conditions. Invitae Evidence Modeling of protein sequence and biophysical properties (such as structural, functional, and spatial information, amino acid conservation, physicochemical variation, residue mobility, and thermodynamic stability) indicates that this missense variant is not expected to disrupt UBQLN2 protein function with a negative predictive value of 80%. In summary, the available evidence is currently insufficient to determine the role of this variant in disease. Therefore, it has been classified as a Variant of Uncertain Significance.

NM_013444.4(UBQLN2):c.1085G>A (p.Ser362Asn)

Gene: UBQLN2 (ubiquilin 2; plus strand). Cytogenetic location: Xp11.21.
Variant type: single nucleotide variant.
Coding change: c.1085G>A on transcript NM_013444.4 (MANE Select); coding-DNA position 1085, G replaced by A.
Protein change: p.Ser362Asn; replaces serine 362 with asparagine.
Molecular consequence: missense variant.
Genome position (GRCh38, 1-based): chrX:56,564,958, G>A. VCF-style: chrX-56564958-G-A. GRCh37 (hg19) VCF-style: chrX-56591391-G-A.
Other names: short protein forms S362N.
Identifiers: ClinVar variation 4771469 (VCV004771469.1).